The following is an entry in ClinVar:

NM_001009999.3(KDM1A):c.990+4A>C

Gene: KDM1A (lysine demethylase 1A; plus strand). Cytogenetic location: 1p36.12.
Variant type: single nucleotide variant.
Coding change: c.990+4A>C on transcript NM_001009999.3 (MANE Select); 4 bases into the intron after coding-DNA position 990, A replaced by C.
Molecular consequence: intron variant.
Genome position (GRCh38, 1-based): chr1:23,056,042, A>C. VCF-style: chr1-23056042-A-C. GRCh37 (hg19) VCF-style: chr1-23382535-A-C.
Other names: c.990+4A>C (NM_001410762.1); c.930+4A>C (NM_001363654.2, NM_001410763.1, NM_015013.4).
Identifiers: ClinVar variation 3641609 (VCV003641609.2).

ClinVar aggregate classification (germline): Uncertain significance (1 of 4 stars; one submission).

Submission:

Labcorp Genetics (formerly Invitae), Labcorp
Classification: Uncertain significance. Last evaluated: 2024-02-17. Review status: criteria provided, single submitter. Criteria: Invitae Variant Classification Sherloc (09022015). Collection method: clinical testing. Allele origin: germline.
Comment: This sequence change falls in intron 7 of the KDM1A gene. It does not directly change the encoded amino acid sequence of the KDM1A protein. It affects a nucleotide within the consensus splice site. This variant is not present in population databases (gnomAD no frequency). This variant has not been reported in the literature in individuals affected with KDM1A-related conditions. Variants that disrupt the consensus splice site are a relatively common cause of aberrant splicing (PMID: 17576681, 9536098). Algorithms developed to predict the effect of sequence changes on RNA splicing suggest that this variant may disrupt the consensus splice site. In summary, the available evidence is currently insufficient to determine the role of this variant in disease. Therefore, it has been classified as a Variant of Uncertain Significance.

Literature cited by the submitters: PubMed 17576681; PubMed 9536098.